The following is an entry in ClinVar:

ClinVar aggregate classification (germline): Uncertain significance (1 of 4 stars; one submission).

Conditions:
Charcot-Marie-Tooth disease type 2. Also called: Charcot-Marie-Tooth type 2. Identifiers: Orphanet 64746, MedGen C0270914, MONDO:0018993.

Submission:

Labcorp Genetics (formerly Invitae), Labcorp
Classification: Uncertain significance for Charcot-Marie-Tooth disease type 2. Last evaluated: 2022-04-12. Review status: criteria provided, single submitter. Criteria: Invitae Variant Classification Sherloc (09022015). Collection method: clinical testing. Allele origin: germline.
Comment: This variant is not present in population databases (gnomAD no frequency). This sequence change falls in intron 2 of the AARS gene. It does not directly change the encoded amino acid sequence of the AARS protein. It affects a nucleotide within the consensus splice site. In summary, the available evidence is currently insufficient to determine the role of this variant in disease. Therefore, it has been classified as a Variant of Uncertain Significance. Variants that disrupt the consensus splice site are a relatively common cause of aberrant splicing (PMID: 17576681, 9536098). Algorithms developed to predict the effect of sequence changes on RNA splicing suggest that this variant is not likely to affect RNA splicing. This variant has not been reported in the literature in individuals affected with AARS-related conditions.

Literature cited by the submitters: PubMed 17576681; PubMed 9536098.

NM_001605.3(AARS1):c.144+6G>T

Gene: AARS1 (alanyl-tRNA synthetase 1; minus strand). Cytogenetic location: 16q22.1.
Variant type: single nucleotide variant.
Coding change: c.144+6G>T on transcript NM_001605.3 (MANE Select); 6 bases into the intron after coding-DNA position 144, G replaced by T.
Molecular consequence: intron variant.
Genome position (GRCh38, 1-based): chr16:70,282,614, C>A on the plus strand (G>T on the coding strand, the complement: AARS1 is on the minus strand). VCF-style: chr16-70282614-C-A. GRCh37 (hg19) VCF-style: chr16-70316517-C-A.
Identifiers: ClinVar variation 2114734 (VCV002114734.4), dbSNP rs1157640034, ClinGen allele CA2580091905.